The following is an entry in ClinVar:

ClinVar aggregate classification (germline): Conflicting classifications of pathogenicity. Review status: criteria provided, conflicting classifications (1 of 4 stars). 5 submissions from 5 submitters: Uncertain significance (4); Likely benign (1). Last evaluated 2025-10-23.

Conditions:
Hereditary cancer-predisposing syndrome. Also called: Tumor predisposition; Hereditary neoplastic syndrome; Hereditary Cancer Syndrome; Neoplastic Syndromes, Hereditary. Identifiers: Orphanet 140162, MedGen C0027672, MeSH D009386, MONDO:0015356.
Hereditary breast ovarian cancer syndrome. Also called: Hereditary breast and/or ovarian cancer syndrome; Breast and ovarian cancer; Hereditary breast and ovarian cancer syndrome; Hereditary breast and ovarian cancer; Hereditary breast and ovarian cancer syndrome (HBOC); BRCA1- and BRCA2-Associated Hereditary Breast and Ovarian Cancer. Identifiers: Orphanet 145, MedGen C0677776, MeSH D061325, MONDO:0003582. Disease mechanism: loss of function.
Breast-ovarian cancer, familial, susceptibility to, 1 (BROVCA1). Also called: BRCA1 Hereditary Breast and Ovarian Cancer; OVARIAN CANCER, SUSCEPTIBILITY TO. Identifiers: Orphanet 145, MedGen C2676676, MONDO:0011450, OMIM 604370. Disease mechanism: loss of function.

Allele frequency attached by ClinVar (database versions not stated): gnomAD exomes below 0.00001.
gnomAD v4.1: 1 of 1,613,612 alleles (0.000062%); highest among the groups gnomAD compares: Non-Finnish European, 0.000085%; no homozygotes.

Submissions (5):

Labcorp Genetics (formerly Invitae), Labcorp
Classification: Uncertain significance for Hereditary breast ovarian cancer syndrome. Last evaluated: 2025-10-23. Review status: criteria provided, single submitter. Criteria: Invitae Variant Classification Sherloc (09022015). Collection method: clinical testing. Allele origin: germline.
Comment: This sequence change replaces asparagine, which is neutral and polar, with serine, which is neutral and polar, at codon 799 of the BRCA1 protein (p.Asn799Ser). This variant is not present in population databases (gnomAD no frequency). This variant has not been reported in the literature in individuals affected with BRCA1-related conditions. ClinVar contains an entry for this variant (Variation ID: 141806). Invitae Evidence Modeling of protein sequence and biophysical properties (such as structural, functional, and spatial information, amino acid conservation, physicochemical variation, residue mobility, and thermodynamic stability) indicates that this missense variant is not expected to disrupt BRCA1 protein function with a negative predictive value of 80%. In summary, the available evidence is currently insufficient to determine the role of this variant in disease. Therefore, it has been classified as a Variant of Uncertain Significance.

Ambry Genetics
Classification: Uncertain significance for Hereditary cancer-predisposing syndrome. Last evaluated: 2024-07-24. Review status: criteria provided, single submitter. Criteria: Ambry Variant Classification Scheme 2023. Collection method: clinical testing. Allele origin: germline.
Comment: The p.N799S variant (also known as c.2396A>G), located in coding exon 9 of the BRCA1 gene, results from an A to G substitution at nucleotide position 2396. The asparagine at codon 799 is replaced by serine, an amino acid with highly similar properties. This amino acid position is not well conserved in available vertebrate species. In silico splice site analysis predicts that this alteration will not have any significant effect on splicing and RNA studies have demonstrated that this alteration does not result in abnormal splicing in the set of samples tested (Ambry internal data). In addition, this alteration is predicted to be tolerated by in silico analysis. Since supporting evidence is limited at this time, the clinical significance of this alteration remains unclear.

All of Us Research Program, National Institutes of Health
Classification: Uncertain significance for Breast-ovarian cancer, familial, susceptibility to, 1. Last evaluated: 2023-04-03. Review status: criteria provided, single submitter. Criteria: ACMG Guidelines, 2015. Collection method: clinical testing. Allele origin: germline. Inheritance: Autosomal dominant inheritance. Observed: 1 variant allele, 1 heterozygote.
Comment: This missense variant replaces asparagine with serine at codon 799 of the BRCA1 protein. Computational prediction suggests that this variant may not impact protein structure and function (internally defined REVEL score threshold <= 0.5, PMID: 27666373). To our knowledge, functional studies have not been reported for this variant. This variant has not been reported in individuals affected with hereditary cancer in the literature. This variant has not been identified in the general population by the Genome Aggregation Database (gnomAD). The available evidence is insufficient to determine the role of this variant in disease conclusively. Therefore, this variant is classified as a Variant of Uncertain Significance.

This study involves interpretation of variants in research participants for the purpose of population health screening. Participant phenotype was not available at the time of variant classification. Additional details can be found in publication PMID: 35346344, PMCID: PMC8962531

University of Washington Department of Laboratory Medicine, University of Washington
Classification: Likely benign for Hereditary cancer-predisposing syndrome. Last evaluated: 2023-03-23. Review status: criteria provided, single submitter. Criteria: Dines et al. (Genet Med. 2020). Collection method: curation. Allele origin: germline.
Comment: Missense variant in a coldspot region where missense variants are very unlikely to be pathogenic (PMID:31911673).

BRCA1 coldspot (exon 11 using historical exon numbering). Reclassification based on statistical prior probability

Women's Health and Genetics/Laboratory Corporation of America, LabCorp
Classification: Uncertain significance. Last evaluated: 2017-02-27. Review status: criteria provided, single submitter. Criteria: LabCorp Variant Classification Summary - May 2015. Collection method: clinical testing. Allele origin: germline.
Comment: Variant summary: The BRCA1 c.2396A>G (p.Asn799Ser) variant involves the alteration of a non-conserved nucleotide. 4/4 in silico tools predict a benign outcome for this variant (SNPs&GO not captured due to low reliability index). 5/5 splice prediction tools predict no significant impact on normal splicing. ESE finder predicts that this variant may create an SC35 ESE site. However, these predictions have yet to be confirmed by functional studies. This variant is absent in the large control population database ExAC (0/121326 control chromosomes). One clinical diagnostic laboratory classified this variant as uncertain significance. Additionally, to our knowledge, the variant of interest has not been reported in affected individuals via publications nor evaluated for functional impact by in vivo/vitro studies. Because of the absence of clinical information and the lack of functional studies, the variant is classified as a variant of uncertain significance (VUS) until additional information becomes available.

NM_007294.4(BRCA1):c.2396A>G (p.Asn799Ser)

Gene: BRCA1 (BRCA1 DNA repair associated; minus strand). Cytogenetic location: 17q21.31.
Variant type: single nucleotide variant.
Coding change: c.2396A>G on transcript NM_007294.4 (MANE Select); coding-DNA position 2396, A replaced by G.
Protein change: p.Asn799Ser; replaces asparagine 799 with serine.
Molecular consequence: missense variant. On other transcripts: intron variant (137).
Genome position (GRCh38, 1-based): chr17:43,093,135, T>C on the plus strand (A>G on the coding strand, the complement: BRCA1 is on the minus strand). VCF-style: chr17-43093135-T-C. GRCh37 (hg19) VCF-style: chr17-41245152-T-C.
Other names: c.2255A>G, p.Asn752Ser (NM_001407724.1, NM_001407725.1, NM_001407726.1 and 29 more transcripts); c.2252A>G, p.Asn751Ser (NM_001407741.1, NM_001407742.1, NM_001407743.1 and 20 more transcripts); c.2183A>G, p.Asn728Ser (NM_001407853.1, NM_001407894.1, NM_001407895.1 and 9 more transcripts); c.2396A>G, p.Asn799Ser (NM_001407854.1, NM_007300.4, NM_001407602.1 and 30 more transcripts); c.2186A>G, p.Asn729Ser (NM_001407882.1, NM_001407884.1, NM_001407885.1 and 13 more transcripts); c.2273A>G, p.Asn758Ser (NM_001407919.1, NM_001407937.1, NM_001407938.1 and 19 more transcripts); c.2132A>G, p.Asn711Ser (NM_001407920.1, NM_001407921.1, NM_001407922.1 and 9 more transcripts); c.2129A>G, p.Asn710Ser (NM_001407934.1, NM_001407936.1, NM_001407930.1 and 2 more transcripts); and 41 more; short protein forms N799S, N752S, N687S, N710S, N732S, N751S, N772S, N671S.
Identifiers: ClinVar variation 141806 (VCV000141806.20), dbSNP rs587782027, ClinGen allele CA001593.